The following is an entry in ClinVar:

NM_001039141.3(TRIOBP):c.3302C>G (p.Pro1101Arg)

Gene: TRIOBP (TRIO and F-actin binding protein; plus strand). Cytogenetic location: 22q13.1.
Variant type: single nucleotide variant.
Coding change: c.3302C>G on transcript NM_001039141.3 (MANE Select); coding-DNA position 3302, C replaced by G.
Protein change: p.Pro1101Arg; replaces proline 1101 with arginine.
Molecular consequence: missense variant.
Genome position (GRCh38, 1-based): chr22:37,725,858, C>G. VCF-style: chr22-37725858-C-G. GRCh37 (hg19) VCF-style: chr22-38121865-C-G.
Other names: short protein forms P1101R.
Identifiers: ClinVar variation 3902913 (VCV003902913.1).

ClinVar aggregate classification (germline): Uncertain significance (1 of 4 stars; one submission).

Submission:

GeneDx
Classification: Uncertain significance. Last evaluated: 2024-12-12. Review status: criteria provided, single submitter. Criteria: GeneDx Variant Classification Process June 2021. Collection method: clinical testing. Allele origin: germline. Affected: yes.
Comment: Not observed at significant frequency in large population cohorts (gnomAD); In silico analysis supports that this missense variant has a deleterious effect on protein structure/function; Has not been previously published as pathogenic or benign to our knowledge